The following is an entry in ClinVar:

ClinVar aggregate classification (germline): Conflicting classifications of pathogenicity. Review status: criteria provided, conflicting classifications (1 of 4 stars). 7 submissions from 7 submitters: Uncertain significance (5); Likely benign (2). Last evaluated 2026-04-01.

Conditions:
Cardiovascular phenotype. Identifiers: MedGen CN230736.
Dilated cardiomyopathy 1G (CMD1G). Identifiers: Orphanet 154, MedGen C1858763, MONDO:0011400, OMIM 604145.
Myopathy, myofibrillar, 9, with early respiratory failure (MFM9). Also called: Myopathy, distal, with early respiratory failure, autosomal dominant; Hereditary myopathy with early respiratory failure; EDSTROM MYOPATHY; MYOPATHY, PROXIMAL, WITH EARLY RESPIRATORY MUSCLE INVOLVEMENT. Identifiers: Orphanet 178464, Orphanet 34521, MedGen C1863599, MONDO:0011362, OMIM 603689.
Autosomal recessive limb-girdle muscular dystrophy type 2J (LGMDR10). Also called: MUSCULAR DYSTROPHY, LIMB-GIRDLE, AUTOSOMAL RECESSIVE 10; Limb-girdle muscular dystrophy, type 2J. Identifiers: Orphanet 140922, MedGen C1837342, MONDO:0012127, OMIM 608807.
Tibial muscular dystrophy (TMD). Also called: UDD MYOPATHY; Tibial muscular dystrophy, tardive; Udd Distal Myopathy – Tibial Muscular Dystrophy. Identifiers: Orphanet 609, MedGen C1838244, MONDO:0010870, OMIM 600334.
Early-onset myopathy with fatal cardiomyopathy (CMYO5). Also called: CONGENITAL MYOPATHY 5 WITH CARDIOMYOPATHY; Salih Myopathy. Identifiers: Orphanet 289377, MedGen C2673677, MONDO:0012714, OMIM 611705. Disease mechanism: loss of function.
Hypertrophic cardiomyopathy 9. Also called: Familial hypertrophic cardiomyopathy 9. Identifiers: MedGen C1861065, MONDO:0013412, OMIM 613765.

Allele frequency attached by ClinVar (database versions not stated): gnomAD 0.00002; gnomAD exomes 0.00002 and 0.00006; TOPMed 0.00002; ExAC 0.00003; ESP Exome Variant Server 0.00017.
gnomAD v4.1: 91 of 1,611,896 alleles (0.0056%); highest among the groups gnomAD compares: Non-Finnish European, 0.0077%; no homozygotes.

Submissions (7):

CeGaT Center for Human Genetics Tuebingen
Classification: Uncertain significance. Last evaluated: 2026-04-01. Review status: criteria provided, single submitter. Criteria: CeGaT Center For Human Genetics Tuebingen Variant Classification Criteria Version 2. Collection method: clinical testing. Allele origin: germline. Affected: yes. Observed: 1 variant allele.
Comment: TTN: PM2

Molecular Diagnostic Laboratory for Inherited Cardiovascular Disease, Montreal Heart Institute
Classification: Likely benign. Last evaluated: 2025-04-09. Review status: criteria provided, single submitter. Criteria: ACMG Guidelines, 2015. Collection method: clinical testing. Allele origin: germline. Affected: no.

GeneDx
Classification: Uncertain significance. Last evaluated: 2022-12-30. Review status: criteria provided, single submitter. Criteria: GeneDx Variant Classification Process June 2021. Collection method: clinical testing. Allele origin: germline. Affected: yes.
Comment: Not observed at significant frequency in large population cohorts (gnomAD); Missense variant in a gene in which most reported pathogenic variants are truncating/loss of function; Has not been previously published as pathogenic or benign to our knowledge

Mayo Clinic Laboratories, Mayo Clinic
Classification: Uncertain significance. Last evaluated: 2022-03-08. Review status: criteria provided, single submitter. Criteria: ACMG Guidelines, 2015. Collection method: clinical testing. Allele origin: germline. Observed: 1 variant allele.

Ambry Genetics
Classification: Likely benign for Cardiovascular phenotype. Last evaluated: 2020-06-23. Review status: criteria provided, single submitter. Criteria: Ambry Variant Classification Scheme 2023. Collection method: clinical testing. Allele origin: germline.

Revvity Omics, Revvity
Classification: Uncertain significance. Last evaluated: 2019-05-03. Review status: criteria provided, single submitter. Criteria: ACMG Guidelines, 2015. Collection method: clinical testing. Allele origin: germline.

Fulgent Genetics
Classification: Uncertain significance for Tibial muscular dystrophy; Myopathy, myofibrillar, 9, with early respiratory failure; Dilated cardiomyopathy 1G; Autosomal recessive limb-girdle muscular dystrophy type 2J; Early-onset myopathy with fatal cardiomyopathy; Hypertrophic cardiomyopathy 9. Last evaluated: 2018-10-31. Review status: criteria provided, single submitter. Criteria: ACMG Guidelines, 2015. Collection method: clinical testing. Allele origin: unknown.

NM_001267550.2(TTN):c.46373G>A (p.Cys15458Tyr)

Genes: TTN-AS1 (TTN antisense RNA 1; plus strand), TTN (titin; minus strand). Cytogenetic location: 2q31.2.
Variant type: single nucleotide variant.
Coding change: c.46373G>A on transcript NM_001267550.2 (MANE Select); coding-DNA position 46373, G replaced by A.
Protein change: p.Cys15458Tyr; replaces cysteine 15458 with tyrosine.
Molecular consequence: missense variant. On other transcripts: non-coding transcript variant (1).
Genome position (GRCh38, 1-based): chr2:178,620,044, C>T on the plus strand (G>A on the coding strand, the complement: TTN is on the minus strand). VCF-style: chr2-178620044-C-T. GRCh37 (hg19) VCF-style: chr2-179484771-C-T.
Other names: p.Cys13817Tyr; c.41450G>A, p.Cys13817Tyr (NM_001256850.1); c.19178G>A, p.Cys6393Tyr (NM_003319.4); c.38669G>A, p.Cys12890Tyr (NM_133378.4); c.19553G>A, p.Cys6518Tyr (NM_133432.3); c.19754G>A, p.Cys6585Tyr (NM_133437.4); c.46373G>A (NM_001267550.1); short protein forms C15458Y, C6393Y, C6518Y, C12890Y, C13817Y, C6585Y.
Identifiers: ClinVar variation 518684 (VCV000518684.15), dbSNP rs377564388, ClinGen allele CA1995256.